The following is an entry in ClinVar:

ClinVar aggregate classification (germline): Uncertain significance. Review status: criteria provided, multiple submitters, no conflicts (2 of 4 stars). 2 submissions from 2 submitters: Uncertain significance (2). Last evaluated 2025-07-31.

Conditions:
Inborn genetic diseases. Identifiers: MedGen C0950123, MeSH D030342.
Baller-Gerold syndrome (BGS). Also called: CRANIOSYNOSTOSIS WITH RADIAL DEFECTS. Identifiers: Orphanet 1225, MedGen C0265308, MONDO:0009039, OMIM 218600.

Allele frequency attached by ClinVar (database versions not stated): gnomAD exomes below 0.00001 and 0.00001; TOPMed below 0.00001.
gnomAD v4.1: 4 of 1,610,630 alleles (0.00025%); highest among the groups gnomAD compares: Admixed American, 0.0033%; no homozygotes.

Submissions (2):

Labcorp Genetics (formerly Invitae), Labcorp
Classification: Uncertain significance for Baller-Gerold syndrome. Last evaluated: 2025-07-31. Review status: criteria provided, single submitter. Criteria: Invitae Variant Classification Sherloc (09022015). Collection method: clinical testing. Allele origin: germline.
Comment: This sequence change replaces cysteine, which is neutral and slightly polar, with tyrosine, which is neutral and polar, at codon 511 of the RECQL4 protein (p.Cys511Tyr). This variant is present in population databases (no rsID available, gnomAD 0.006%). This variant has not been reported in the literature in individuals affected with RECQL4-related conditions. ClinVar contains an entry for this variant (Variation ID: 406913). Invitae Evidence Modeling of protein sequence and biophysical properties (such as structural, functional, and spatial information, amino acid conservation, physicochemical variation, residue mobility, and thermodynamic stability) indicates that this missense variant is expected to disrupt RECQL4 protein function with a positive predictive value of 80%. In summary, the available evidence is currently insufficient to determine the role of this variant in disease. Therefore, it has been classified as a Variant of Uncertain Significance.

Ambry Genetics
Classification: Uncertain significance for Inborn genetic diseases. Last evaluated: 2024-12-30. Review status: criteria provided, single submitter. Criteria: Ambry Variant Classification Scheme 2023. Collection method: clinical testing. Allele origin: germline.
Comment: The p.C511Y variant (also known as c.1532G>A), located in coding exon 9 of the RECQL4 gene, results from a G to A substitution at nucleotide position 1532. The cysteine at codon 511 is replaced by tyrosine, an amino acid with highly dissimilar properties. This amino acid position is conserved. In addition, this alteration is predicted to be deleterious by in silico analysis. Based on the available evidence, the clinical significance of this variant remains unclear.

NM_004260.4(RECQL4):c.1532G>A (p.Cys511Tyr)

Gene: RECQL4 (RecQ like helicase 4; minus strand). Cytogenetic location: 8q24.3.
Variant type: single nucleotide variant.
Coding change: c.1532G>A on transcript NM_004260.4 (MANE Select); coding-DNA position 1532, G replaced by A.
Protein change: p.Cys511Tyr; replaces cysteine 511 with tyrosine.
Molecular consequence: missense variant.
Genome position (GRCh38, 1-based): chr8:144,515,024, C>T on the plus strand (G>A on the coding strand, the complement: RECQL4 is on the minus strand). VCF-style: chr8-144515024-C-T. GRCh37 (hg19) VCF-style: chr8-145740408-C-T.
Other names: short protein forms C511Y.
Identifiers: ClinVar variation 406913 (VCV000406913.7), dbSNP rs1060501361, ClinGen allele CA16612364.